The following is an entry in ClinVar:

NM_001384474.1(LOXHD1):c.5329A>T (p.Asn1777Tyr)

Gene: LOXHD1 (lipoxygenase homology PLAT domains 1; minus strand). Cytogenetic location: 18q21.1.
Variant type: single nucleotide variant.
Coding change: c.5329A>T on transcript NM_001384474.1 (MANE Select); coding-DNA position 5329, A replaced by T.
Protein change: p.Asn1777Tyr; replaces asparagine 1777 with tyrosine.
Molecular consequence: missense variant.
Genome position (GRCh38, 1-based): chr18:46,518,199, T>A on the plus strand (A>T on the coding strand, the complement: LOXHD1 is on the minus strand). VCF-style: chr18-46518199-T-A. GRCh37 (hg19) VCF-style: chr18-44098162-T-A.
Other names: c.1996A>T, p.Asn666Tyr (NM_001145472.3); c.46A>T, p.Asn16Tyr (NM_001145473.3, NM_001173129.2); c.1708A>T, p.Asn570Tyr (NM_001308013.2); c.5143A>T, p.Asn1715Tyr (NM_144612.7); short protein forms N16Y, N1715Y, N1777Y, N570Y, N666Y.
Identifiers: ClinVar variation 4527645 (VCV004527645.2).

ClinVar aggregate classification (germline): Uncertain significance. Review status: criteria provided, multiple submitters, no conflicts (2 of 4 stars). 2 submissions from 2 submitters: Uncertain significance (2). Last evaluated 2025-11-26.

Conditions:
Inborn genetic diseases. Identifiers: MedGen C0950123, MeSH D030342.

gnomAD v4.1: 6 of 1,551,558 alleles (0.00039%); highest among the groups gnomAD compares: African/African-American, 0.0055%; no homozygotes.

Submissions (2):

Ambry Genetics
Classification: Uncertain significance for Inborn genetic diseases. Last evaluated: 2025-11-26. Review status: criteria provided, single submitter. Criteria: Ambry Variant Classification Scheme 2023. Collection method: clinical testing. Allele origin: germline.

GeneDx
Classification: Uncertain significance. Last evaluated: 2025-05-01. Review status: criteria provided, single submitter. Criteria: GeneDx Variant Classification Process June 2021. Collection method: clinical testing. Allele origin: germline. Affected: yes.
Comment: Not observed at significant frequency in large population cohorts (gnomAD); In silico analysis supports that this missense variant has a deleterious effect on protein structure/function; Has not been previously published as pathogenic or benign to our knowledge